The following is an entry in ClinVar:

ClinVar aggregate classification (germline): Pathogenic (1 of 4 stars; one submission).

Conditions:
Glycogen storage disease, type II (IOPD). Also called: Pompe Disease; CARDIOMEGALIA GLYCOGENICA DIFFUSA; GLYCOGENOSIS, GENERALIZED, CARDIAC FORM; GSD II; POMPE DISEASE, INFANTILE-ONSET; GLYCOGEN STORAGE DISEASE II, INFANTILE-ONSET. Identifiers: Orphanet 365, MedGen C0017921, MONDO:0009290, OMIM 232300.

Submission:

Genomenon, Inc
Classification: Pathogenic for Glycogen storage disease, type II. Last evaluated: 2026-07-01. Review status: criteria provided, single submitter. Criteria: Genomenon Sequence Variant Interpretation Standards - Updated. Collection method: curation. Allele origin: germline. Affected: yes.
Comment: GAA p.Ala495ProfsTer13 (c.1476_1482dup) is a frameshift variant that is predicted to introduce a premature termination codon and result in a truncated or absent protein product. This variant has been observed in at least one proband with a GAA-related disorder (PMID:32504392). It is absent or not present at a significant frequency in gnomAD. In conclusion, we classify GAA p.Ala495ProfsTer13 (c.1476_1482dup) as a pathogenic variant.

Literature cited by the submitters: PubMed 32504392.

NM_000152.5(GAA):c.1476_1482dup (p.Ala495fs)

Gene: GAA (alpha glucosidase; plus strand). Cytogenetic location: 17q25.3.
Variant type: Duplication.
Coding change: c.1476_1482dup on transcript NM_000152.5 (MANE Select); coding-DNA positions 1476 to 1482, 7 bases duplicated (CCCCACA; older notation c.1476_1482dupCCCCACA).
Protein change: p.Ala495fs; shifts the reading frame from alanine 495.
Molecular consequence: frameshift variant.
Genome position (GRCh38, 1-based): chr17:80,110,765-80,110,771, CCCCACA duplicated; duplicating any 7 consecutive bases within chr17:80,110,764-80,110,771 gives the same sequence; the c. name uses the placement nearest the transcript's 3' end. VCF-style (leftmost placement, unchanged base first): chr17-80110763-A-AACCCCAC. GRCh37 (hg19) VCF-style: chr17-78084562-A-AACCCCAC.
Other names: c.1476_1482dup, p.Ala495fs (NM_001079803.3, NM_001079804.3, NM_001406741.1 and 1 more transcripts); short protein forms A495fs.
Identifiers: ClinVar variation 4876436 (VCV004876436.1).